The following is an entry in ClinVar:

ClinVar aggregate classification (germline): Likely pathogenic (1 of 4 stars; one submission).

Conditions:
Sponastrime dysplasia. Also called: SPONDYLAR AND NASAL ALTERATIONS WITH STRIATED METAPHYSES. Identifiers: Orphanet 93357, MedGen C1300260, MONDO:0010068, OMIM 271510.

Submission:

Juno Genomics, Hangzhou Juno Genomics, Inc
Classification: Likely pathogenic for Sponastrime dysplasia. Review status: criteria provided, single submitter. Criteria: ACMG Guidelines, 2015. Collection method: clinical testing. Allele origin: germline. Affected: yes.
Comment: Absent from controls (or at extremely low frequency if recessive) in Genome Aggregation Database, Exome Sequencing Project, 1000 Genomes Project, or Exome Aggregation Consortium.;Null variant in a gene where loss of function (LOF) is a known mechanism of disease.

NM_013432.5(TONSL):c.3006_3006+1del

Gene: TONSL (tonsoku like, DNA repair protein; minus strand). Cytogenetic location: 8q24.3.
Variant type: Deletion.
Coding change: c.3006_3006+1del on transcript NM_013432.5 (MANE Select); coding-DNA position 3006 through the canonical splice donor site of the intron after coding-DNA position 3006, 2 bases deleted (GG; older notation c.3006_3006+1delGG).
Molecular consequence: splice donor variant.
Genome position (GRCh38, 1-based): chr8:144,435,016-144,435,017, CC deleted on the plus strand (GG on the coding strand, the reverse complement: TONSL is on the minus strand). VCF-style (leftmost placement, unchanged base first): chr8-144435015-ACC-A. GRCh37 (hg19) VCF-style: chr8-145660398-ACC-A.
Identifiers: ClinVar variation 3382384 (VCV003382384.2).